The following is an entry in ClinVar:

ClinVar aggregate classification (germline): Uncertain significance (1 of 4 stars; one submission).

Conditions:
Pitt-Hopkins-like syndrome 2 (PTHSL2). Identifiers: Orphanet 221150, Orphanet 600663, MedGen C3280479, MONDO:0013690, OMIM 614325.

Allele frequency attached by ClinVar (database versions not stated): gnomAD exomes below 0.00001; ExAC 0.00001; gnomAD 0.00001.
gnomAD v4.1: 3 of 1,608,994 alleles (0.00019%); highest among the groups gnomAD compares: African/African-American, 0.0013%; no homozygotes.

Submission:

Labcorp Genetics (formerly Invitae), Labcorp
Classification: Uncertain significance for Pitt-Hopkins-like syndrome 2. Last evaluated: 2020-11-11. Review status: criteria provided, single submitter. Criteria: Invitae Variant Classification Sherloc (09022015). Collection method: clinical testing. Allele origin: germline.
Comment: This sequence change replaces glycine with arginine at codon 624 of the NRXN1 protein (p.Gly624Arg). The glycine residue is highly conserved and there is a moderate physicochemical difference between glycine and arginine. This variant is present in population databases (rs749913654, ExAC 0.01%). This variant has not been reported in the literature in individuals with NRXN1-related conditions. Algorithms developed to predict the effect of missense changes on protein structure and function (SIFT, PolyPhen-2, Align-GVGD) all suggest that this variant is likely to be disruptive, but these predictions have not been confirmed by published functional studies and their clinical significance is uncertain. In summary, the available evidence is currently insufficient to determine the role of this variant in disease. Therefore, it has been classified as a Variant of Uncertain Significance.

NM_001330078.2(NRXN1):c.1750G>A (p.Gly584Arg)

Gene: NRXN1 (neurexin 1; minus strand). Cytogenetic location: 2p16.3.
Variant type: single nucleotide variant.
Coding change: c.1750G>A on transcript NM_001330078.2 (MANE Select); coding-DNA position 1750, G replaced by A.
Protein change: p.Gly584Arg; replaces glycine 584 with arginine.
Molecular consequence: missense variant.
Genome position (GRCh38, 1-based): chr2:50,552,596, C>T on the plus strand (G>A on the coding strand, the complement: NRXN1 is on the minus strand). VCF-style: chr2-50552596-C-T. GRCh37 (hg19) VCF-style: chr2-50779734-C-T.
Other names: c.1750G>A, p.Gly584Arg (NM_001330085.2, NM_001330086.2, NM_004801.6); c.1666G>A, p.Gly556Arg (NM_001330087.2, NM_001330096.2); c.1696G>A, p.Gly566Arg (NM_001330088.2); c.1747G>A, p.Gly583Arg (NM_001330093.2); c.1738G>A, p.Gly580Arg (NM_001330094.2); c.1726G>A, p.Gly576Arg (NM_001330095.2, NM_001330077.2, NM_001330082.2); c.1870G>A, p.Gly624Arg (NM_001135659.3); c.1711G>A, p.Gly571Arg (NM_001330083.2, NM_001330084.2); short protein forms G556R, G566R, G571R, G576R, G580R, G583R, G584R, G624R.
Identifiers: ClinVar variation 1064123 (VCV001064123.9), dbSNP rs749913654, ClinGen allele CA1654998.